The following is an entry in ClinVar:

NM_018100.4(EFHC1):c.1888A>G (p.Asn630Asp)

Gene: EFHC1 (EF-hand domain containing 1; plus strand). Cytogenetic location: 6p12.2.
Variant type: single nucleotide variant.
Coding change: c.1888A>G on transcript NM_018100.4 (MANE Select); coding-DNA position 1888, A replaced by G.
Protein change: p.Asn630Asp; replaces asparagine 630 with aspartic acid.
Molecular consequence: missense variant. On other transcripts: non-coding transcript variant (1).
Genome position (GRCh38, 1-based): chr6:52,492,306, A>G. VCF-style: chr6-52492306-A-G. GRCh37 (hg19) VCF-style: chr6-52357104-A-G.
Other names: c.1831A>G, p.Asn611Asp (NM_001172420.2); short protein forms N630D, N611D.
Identifiers: ClinVar variation 465666 (VCV000465666.12), dbSNP rs747171841, ClinGen allele CA3856211.
Genomic context (GRCh38, chr6:52,492,306, plus strand): 5'-CTATTCTCTTTGCTCTCTCTGCAGTTAATCAGGATGTGCTCTCATGGAGAAGGCAAAATT[A>G]ACTACTATAACTTTGTTCGTGCTTTCTCAAACTGACCTGCTGATGAGAAAATGCAAGACA-3'
Protein context (NP_060570.2, residues 620-640): RMCSHGEGKI[Asn630Asp]YYNFVRAFSN

ClinVar aggregate classification (germline): Uncertain significance (1 of 4 stars; one submission).

Conditions:
Myoclonic epilepsy, juvenile, susceptibility to, 1. Also called: Myoclonic Epilepsy, Juvenile, 1; EJM1. Identifiers: MedGen C1850778, MONDO:0020752, OMIM 254770.
Absence seizure. Also called: Absence epilepsy. Identifiers: Orphanet 1941, MedGen C0014553.

Allele frequency attached by ClinVar (database versions not stated): gnomAD 0.00002; TOPMed 0.00006.

Submission:

Labcorp Genetics (formerly Invitae), Labcorp
Classification: Uncertain significance for Myoclonic epilepsy, juvenile, susceptibility to, 1; Absence seizure. Last evaluated: 2020-10-03. Review status: criteria provided, single submitter. Criteria: Invitae Variant Classification Sherloc (09022015). Collection method: clinical testing. Allele origin: germline.
Comment: In summary, the available evidence is currently insufficient to determine the role of this variant in disease. Therefore, it has been classified as a Variant of Uncertain Significance. Algorithms developed to predict the effect of missense changes on protein structure and function output the following: SIFT: "Deleterious"; PolyPhen-2: "Benign"; Align-GVGD: "Class C0". The aspartic acid amino acid residue is found in multiple mammalian species, suggesting that this missense change does not adversely affect protein function. These predictions have not been confirmed by published functional studies and their clinical significance is uncertain. This variant has not been reported in the literature in individuals with EFHC1-related conditions. ClinVar contains an entry for this variant (Variation ID: 465666). This variant is present in population databases (rs747171841, ExAC 0.03%). This sequence change replaces asparagine with aspartic acid at codon 630 of the EFHC1 protein (p.Asn630Asp). The asparagine residue is moderately conserved and there is a small physicochemical difference between asparagine and aspartic acid.